The following is an entry in ClinVar:

ClinVar aggregate classification (germline): Uncertain significance (1 of 4 stars; one submission).

Submission:

GeneDx
Classification: Uncertain significance. Last evaluated: 2022-09-15. Review status: criteria provided, single submitter. Criteria: GeneDx Variant Classification Process June 2021. Collection method: clinical testing. Allele origin: germline. Affected: yes.
Comment: Not observed at significant frequency in large population cohorts (gnomAD); In silico analysis supports that this missense variant has a deleterious effect on protein structure/function; Observed in an affected individual, but familial segregation information and specific clinical information were not included (Klee et al., 2021); This variant is associated with the following publications: (PMID: 33144682)

NM_017780.4(CHD7):c.3077C>A (p.Ser1026Tyr)

Gene: CHD7 (chromodomain helicase DNA binding protein 7; plus strand). Cytogenetic location: 8q12.2.
Variant type: single nucleotide variant.
Coding change: c.3077C>A on transcript NM_017780.4 (MANE Select); coding-DNA position 3077, C replaced by A.
Protein change: p.Ser1026Tyr; replaces serine 1026 with tyrosine.
Molecular consequence: missense variant. On other transcripts: intron variant (1).
Genome position (GRCh38, 1-based): chr8:60,822,622, C>A. VCF-style: chr8-60822622-C-A. GRCh37 (hg19) VCF-style: chr8-61735181-C-A.
Other names: c.1717-39607C>A (NM_001316690.1); short protein forms S1026Y.
Identifiers: ClinVar variation 2444720 (VCV002444720.1), dbSNP rs2487811856, ClinGen allele CA371309749.
Genomic context (GRCh38, chr8:60,822,622, plus strand): 5'-TTCTCTATGAGATATATTTGAAAGGAATCCATGGCCCTTTTTTAGTAATTGCCCCATTGT[C>A]CACAATCCCCAACTGGGAAAGGGAATTCCGAACCTGGACAGAGTTGAACGTGGTTGTGTA-3'
Protein context (NP_060250.2, residues 1016-1036): HGPFLVIAPL[Ser1026Tyr]TIPNWEREFR